The following is an entry in ClinVar:

NM_006563.5(KLF1):c.202G>C (p.Gly68Arg)

Gene: KLF1 (KLF transcription factor 1; minus strand). Cytogenetic location: 19p13.13.
Variant type: single nucleotide variant.
Coding change: c.202G>C on transcript NM_006563.5 (MANE Select); coding-DNA position 202, G replaced by C.
Protein change: p.Gly68Arg; replaces glycine 68 with arginine.
Molecular consequence: missense variant.
Genome position (GRCh38, 1-based): chr19:12,886,028, C>G on the plus strand (G>C on the coding strand, the complement: KLF1 is on the minus strand). VCF-style: chr19-12886028-C-G. GRCh37 (hg19) VCF-style: chr19-12996842-C-G.
Other names: short protein forms G68R.
Identifiers: ClinVar variation 3355435 (VCV003355435.1).

ClinVar aggregate classification (germline): Uncertain significance (0 of 4 stars; one submission).

Conditions:
KLF1-related disorder. Also called: KLF1-Related Disorders; KLF1-related condition.

Submission:

PreventionGenetics, part of Exact Sciences
Classification: Uncertain significance for KLF1-related condition. Last evaluated: 2024-06-01. Review status: no assertion criteria provided. Collection method: clinical testing. Allele origin: germline.
Comment: The KLF1 c.202G>C variant is predicted to result in the amino acid substitution p.Gly68Arg. To our knowledge, this variant has not been reported in the literature or in a large population database, indicating this variant is rare. At this time, the clinical significance of this variant is uncertain due to the absence of conclusive functional and genetic evidence.